The following is an entry in ClinVar:

NM_001127222.2(CACNA1A):c.291G>A (p.Trp97Ter)

Gene: CACNA1A (calcium voltage-gated channel subunit alpha1 A; minus strand). Cytogenetic location: 19p13.13.
Variant type: single nucleotide variant.
Coding change: c.291G>A on transcript NM_001127222.2 (MANE Select); coding-DNA position 291, G replaced by A.
Protein change: p.Trp97Ter; replaces tryptophan 97 with a stop codon.
Molecular consequence: nonsense.
Genome position (GRCh38, 1-based): chr19:13,505,934, C>T on the plus strand (G>A on the coding strand, the complement: CACNA1A is on the minus strand). VCF-style: chr19-13505934-C-T. GRCh37 (hg19) VCF-style: chr19-13616748-C-T.
Other names: c.291G>A, p.Trp97Ter (NM_000068.4, NM_001127221.2, NM_001174080.2 and 1 more transcripts); short protein forms W97*.
Identifiers: ClinVar variation 3754313 (VCV003754313.2).

ClinVar aggregate classification (germline): Pathogenic (1 of 4 stars; one submission).

Conditions:
Episodic ataxia type 2 (EA2). Also called: ATAXIA, EPISODIC, WITH NYSTAGMUS; ATAXIA, FAMILIAL PAROXYSMAL; ACETAZOLAMIDE-RESPONSIVE HEREDITARY PAROXYSMAL CEREBELLAR ATAXIA; CEREBELLAR ATAXIA, PAROXYSMAL, ACETAZOLAMIDE-RESPONSIVE; CEREBELLOPATHY, HEREDITARY PAROXYSMAL; EPISODIC ATAXIA, NYSTAGMUS-ASSOCIATED. Identifiers: Orphanet 97, MedGen C1720416, MONDO:0007163, OMIM 108500.
Developmental and epileptic encephalopathy, 42 (DEE42A). Also called: Epileptic encephalopathy, early infantile, 42; DEVELOPMENTAL AND EPILEPTIC ENCEPHALOPATHY 42A; EPILEPTIC ENCEPHALOPATHY, EARLY INFANTILE, 42A. Identifiers: MedGen C4310716, MONDO:0014917, OMIM 617106.

Submission:

Labcorp Genetics (formerly Invitae), Labcorp
Classification: Pathogenic for Developmental and epileptic encephalopathy, 42; Episodic ataxia type 2. Last evaluated: 2024-02-01. Review status: criteria provided, single submitter. Criteria: Invitae Variant Classification Sherloc (09022015). Collection method: clinical testing. Allele origin: germline.
Comment: This sequence change creates a premature translational stop signal (p.Trp97*) in the CACNA1A gene. It is expected to result in an absent or disrupted protein product. Loss-of-function variants in CACNA1A are known to be pathogenic (PMID: 10371528, 19486177, 25735478, 27250579). This variant is not present in population databases (gnomAD no frequency). This variant has not been reported in the literature in individuals affected with CACNA1A-related conditions. For these reasons, this variant has been classified as Pathogenic.

Literature cited by the submitters: PubMed 10371528; PubMed 19486177; PubMed 25735478; PubMed 27250579.